The following is an entry in ClinVar:

ClinVar aggregate classification (germline): Uncertain significance (1 of 4 stars; one submission).

Submission:

Labcorp Genetics (formerly Invitae), Labcorp
Classification: Uncertain significance. Last evaluated: 2025-08-03. Review status: criteria provided, single submitter. Criteria: Invitae Variant Classification Sherloc (09022015). Collection method: clinical testing. Allele origin: germline.
Comment: This sequence change replaces valine, which is neutral and non-polar, with alanine, which is neutral and non-polar, at codon 118 of the LRP5 protein (p.Val118Ala). This variant is not present in population databases (gnomAD no frequency). This variant has not been reported in the literature in individuals affected with LRP5-related conditions. Invitae Evidence Modeling of protein sequence and biophysical properties (such as structural, functional, and spatial information, amino acid conservation, physicochemical variation, residue mobility, and thermodynamic stability) has been performed for this missense variant. However, the output from this modeling did not meet the statistical confidence thresholds required to predict the impact of this variant on LRP5 protein function. In summary, the available evidence is currently insufficient to determine the role of this variant in disease. Therefore, it has been classified as a Variant of Uncertain Significance.

NM_002335.4(LRP5):c.353T>C (p.Val118Ala)

Gene: LRP5 (LDL receptor related protein 5; plus strand). Cytogenetic location: 11q13.2.
Variant type: single nucleotide variant.
Coding change: c.353T>C on transcript NM_002335.4 (MANE Select); coding-DNA position 353, T replaced by C.
Protein change: p.Val118Ala; replaces valine 118 with alanine.
Molecular consequence: missense variant. On other transcripts: 5 prime UTR variant (1).
Genome position (GRCh38, 1-based): chr11:68,348,108, T>C. VCF-style: chr11-68348108-T-C. GRCh37 (hg19) VCF-style: chr11-68115576-T-C.
Other names: c.-1413T>C (NM_001291902.2); short protein forms V118A.
Identifiers: ClinVar variation 4800447 (VCV004800447.1).